The following is an entry in ClinVar:

ClinVar aggregate classification (germline): Uncertain significance (1 of 4 stars; one submission).

Conditions:
Familial cancer of breast. Also called: Hereditary breast cancer; BREAST CANCER, FAMILIAL; hereditary breast carcinoma. Identifiers: Orphanet 227535, MedGen C0346153, MONDO:0016419, OMIM 114480. Disease mechanism: loss of function.

Submission:

MVZ Praenatalmedizin und Genetik Nuernberg
Classification: Uncertain significance for Familial cancer of breast. Last evaluated: 2023-04-21. Review status: criteria provided, single submitter. Criteria: ACMG Guidelines, 2015. Collection method: clinical testing. Allele origin: germline. Affected: no.
Comment: This very rare variant (gnomAD v2: 0 alleles) has not yet been described in the databases (ClinVar, LOVD, FLOSSIES) or in the literature. Although computer-assisted predictions (in silico) predominantly assess the variant as pathogenic, this is not yet sufficient for classification. In summary, based on the current data, we assess this variant as having unclear clinical significance (VUS).

NM_032043.3(BRIP1):c.170T>A (p.Leu57His)

Gene: BRIP1 (BRCA1 interacting DNA helicase 1; minus strand). Cytogenetic location: 17q23.2.
Variant type: single nucleotide variant.
Coding change: c.170T>A on transcript NM_032043.3 (MANE Select); coding-DNA position 170, T replaced by A.
Protein change: p.Leu57His; replaces leucine 57 with histidine.
Molecular consequence: missense variant.
Genome position (GRCh38, 1-based): chr17:61,859,831, A>T on the plus strand (T>A on the coding strand, the complement: BRIP1 is on the minus strand). VCF-style: chr17-61859831-A-T. GRCh37 (hg19) VCF-style: chr17-59937192-A-T.
Other names: short protein forms L57H.
Identifiers: ClinVar variation 4813449 (VCV004813449.1).